The following is an entry in ClinVar:

ClinVar aggregate classification (germline): Uncertain significance (1 of 4 stars; one submission).

gnomAD v4.1: 1 of 1,510,270 alleles (0.000066%); highest among the groups gnomAD compares: Non-Finnish European, 0.000091%; no homozygotes.

Submission:

GeneDx
Classification: Uncertain significance. Last evaluated: 2025-03-10. Review status: criteria provided, single submitter. Criteria: GeneDx Variant Classification Process June 2021. Collection method: clinical testing. Allele origin: germline. Affected: yes.
Comment: Not observed at significant frequency in large population cohorts (gnomAD); In silico analysis indicates that this missense variant does not alter protein structure/function; Has not been previously published as pathogenic or benign to our knowledge

NM_001384125.1(BLTP1):c.1202A>G (p.Lys401Arg)

Gene: BLTP1 (bridge-like lipid transfer protein family member 1; plus strand). Cytogenetic location: 4q27.
Variant type: single nucleotide variant.
Coding change: c.1202A>G on transcript NM_001384125.1 (MANE Select); coding-DNA position 1202, A replaced by G.
Protein change: p.Lys401Arg; replaces lysine 401 with arginine.
Molecular consequence: missense variant.
Genome position (GRCh38, 1-based): chr4:122,196,784, A>G. VCF-style: chr4-122196784-A-G. GRCh37 (hg19) VCF-style: chr4-123117939-A-G.
Other names: c.1202A>G, p.Lys401Arg (NM_015312.4); short protein forms K401R.
Identifiers: ClinVar variation 4083446 (VCV004083446.1).